The following is an entry in ClinVar:

NM_005228.5(EGFR):c.913G>C (p.Gly305Arg)

Gene: EGFR (epidermal growth factor receptor; plus strand). Cytogenetic location: 7p11.2.
Variant type: single nucleotide variant.
Coding change: c.913G>C on transcript NM_005228.5 (MANE Select); coding-DNA position 913, G replaced by C.
Protein change: p.Gly305Arg; replaces glycine 305 with arginine.
Molecular consequence: missense variant.
Genome position (GRCh38, 1-based): chr7:55,155,853, G>C. VCF-style: chr7-55155853-G-C. GRCh37 (hg19) VCF-style: chr7-55223546-G-C.
Other names: c.778G>C, p.Gly260Arg (NM_001346897.2, NM_001346899.2); c.913G>C, p.Gly305Arg (NM_001346898.2, NM_201282.2, NM_201283.2 and 1 more transcripts); c.754G>C, p.Gly252Arg (NM_001346900.2); c.112G>C, p.Gly38Arg (NM_001346941.2); short protein forms G252R, G260R, G305R, G38R.
Identifiers: ClinVar variation 4870232 (VCV004870232.1).

ClinVar aggregate classification (germline): Uncertain significance (1 of 4 stars; one submission).

Conditions:
Hereditary cancer-predisposing syndrome. Also called: Neoplastic Syndromes, Hereditary; Tumor predisposition; Hereditary Cancer Syndrome; Hereditary neoplastic syndrome. Identifiers: Orphanet 140162, MedGen C0027672, MeSH D009386, MONDO:0015356.

Submission:

Ambry Genetics
Classification: Uncertain significance for Hereditary cancer-predisposing syndrome. Last evaluated: 2026-03-31. Review status: criteria provided, single submitter. Criteria: Ambry Variant Classification Scheme 2023. Collection method: clinical testing. Allele origin: germline.
Comment: The p.G305R variant (also known as c.913G>C), located in coding exon 8 of the EGFR gene, results from a G to C substitution at nucleotide position 913. The glycine at codon 305 is replaced by arginine, an amino acid with dissimilar properties. This amino acid position is conserved. In addition, this alteration is predicted to be deleterious by in silico analysis. Based on the available evidence, the clinical significance of this variant remains unclear.